The following is an entry in ClinVar:

NM_020433.5(JPH2):c.353A>G (p.Tyr118Cys)

Gene: JPH2 (junctophilin 2; minus strand). Cytogenetic location: 20q13.12.
Variant type: single nucleotide variant.
Coding change: c.353A>G on transcript NM_020433.5 (MANE Select); coding-DNA position 353, A replaced by G.
Protein change: p.Tyr118Cys; replaces tyrosine 118 with cysteine.
Molecular consequence: missense variant.
Genome position (GRCh38, 1-based): chr20:44,186,353, T>C on the plus strand (A>G on the coding strand, the complement: JPH2 is on the minus strand). VCF-style: chr20-44186353-T-C. GRCh37 (hg19) VCF-style: chr20-42814993-T-C.
Other names: c.353A>G, p.Tyr118Cys (NM_175913.4); short protein forms Y118C.
Identifiers: ClinVar variation 3389544 (VCV003389544.14).
Genomic context (GRCh38, chr20:44,186,353, plus strand): 5'-CACCCCACCTCTGCGGGCCCCCAGCTGGCCTCACCTCCATCAGCATAGGTCTCGGTGCCA[T>C]AGCCGTCTTGCAGGCCATTGTTCCAGGTGCCCTCATACTTGGCACCGCTGCTTGAGCTCT-3'
Protein context (NP_065166.2, residues 108-128): GTWNNGLQDG[Tyr118Cys]GTETYADGGT

ClinVar aggregate classification (germline): Uncertain significance (1 of 4 stars; one submission).

gnomAD v4.1: 2 of 1,609,128 alleles (0.00012%); highest among the groups gnomAD compares: Admixed American, 0.0033%; no homozygotes.

Submission:

CeGaT Center for Human Genetics Tuebingen
Classification: Uncertain significance. Last evaluated: 2024-10-01. Review status: criteria provided, single submitter. Criteria: CeGaT Center For Human Genetics Tuebingen Variant Classification Criteria Version 2. Collection method: clinical testing. Allele origin: germline. Affected: yes. Observed: 1 variant allele.
Comment: JPH2: PM2